The following is an entry in ClinVar:

NM_000760.4(CSF3R):c.1388G>A (p.Trp463Ter)

Gene: CSF3R (colony stimulating factor 3 receptor; minus strand). Cytogenetic location: 1p34.3.
Variant type: single nucleotide variant.
Coding change: c.1388G>A on transcript NM_000760.4 (MANE Select); coding-DNA position 1388, G replaced by A.
Protein change: p.Trp463Ter; replaces tryptophan 463 with a stop codon.
Molecular consequence: nonsense.
Genome position (GRCh38, 1-based): chr1:36,469,738, C>T on the plus strand (G>A on the coding strand, the complement: CSF3R is on the minus strand). VCF-style: chr1-36469738-C-T. GRCh37 (hg19) VCF-style: chr1-36935339-C-T.
Other names: c.1388G>A, p.Trp463Ter (NM_156039.3, NM_172313.3); short protein forms W463*.
Identifiers: ClinVar variation 1073345 (VCV001073345.7), dbSNP rs374536805, ClinGen allele CA769206.

ClinVar aggregate classification (germline): Pathogenic (1 of 4 stars; one submission).

Conditions:
Autosomal recessive severe congenital neutropenia due to CSF3R deficiency. Also called: Neutropenia, severe congenital, 7, autosomal recessive. Identifiers: Orphanet 420702, MedGen C4310764, MONDO:0014865, OMIM 617014.

Allele frequency attached by ClinVar (database versions not stated): gnomAD exomes below 0.00001; ExAC 0.00001; TOPMed 0.00001; gnomAD 0.00003; ESP Exome Variant Server 0.00008.
gnomAD v4.1: 4 of 1,614,102 alleles (0.00025%); highest among the groups gnomAD compares: African/African-American, 0.0053%; no homozygotes.

Submission:

Labcorp Genetics (formerly Invitae), Labcorp
Classification: Pathogenic for Autosomal recessive severe congenital neutropenia due to CSF3R deficiency. Last evaluated: 2024-02-24. Review status: criteria provided, single submitter. Criteria: Invitae Variant Classification Sherloc (09022015). Collection method: clinical testing. Allele origin: germline.
Comment: This sequence change creates a premature translational stop signal (p.Trp463*) in the CSF3R gene. It is expected to result in an absent or disrupted protein product. Loss-of-function variants in CSF3R are known to be pathogenic (PMID: 24753537, 26324699). This variant is present in population databases (rs374536805, gnomAD 0.007%). This variant has not been reported in the literature in individuals affected with CSF3R-related conditions. ClinVar contains an entry for this variant (Variation ID: 1073345). For these reasons, this variant has been classified as Pathogenic.

Literature cited by the submitters: PubMed 24753537; PubMed 26324699.